The following is an entry in ClinVar:

NM_000138.5(FBN1):c.989A>G (p.Asp330Gly)

Genes: FBN1 (fibrillin 1; minus strand), LOC113939944 (Sharpr-MPRA regulatory region 9539; plus strand). Cytogenetic location: 15q21.1.
Variant type: single nucleotide variant.
Coding change: c.989A>G on transcript NM_000138.5 (MANE Select); coding-DNA position 989, A replaced by G.
Protein change: p.Asp330Gly; replaces aspartic acid 330 with glycine.
Molecular consequence: missense variant.
Genome position (GRCh38, 1-based): chr15:48,520,817, T>C on the plus strand (A>G on the coding strand, the complement: FBN1 is on the minus strand). VCF-style: chr15-48520817-T-C. GRCh37 (hg19) VCF-style: chr15-48813014-T-C.
Other names: c.989A>G, p.Asp330Gly (NM_001406716.1); short protein forms D330G.
Identifiers: ClinVar variation 3075108 (VCV003075108.4), dbSNP rs1447337917, ClinGen allele CA392347938.

ClinVar aggregate classification (germline): Uncertain significance. Review status: criteria provided, multiple submitters, no conflicts (2 of 4 stars). 3 submissions from 3 submitters: Uncertain significance (3). Last evaluated 2026-01-20.

Conditions:
Marfan syndrome (MFS). Also called: MARFAN SYNDROME, TYPE I; Marfan syndrome type 1; Marfan's syndrome; Marfan syndrome, classic; FBN1-Related Marfan Syndrome. Identifiers: Orphanet 284963, Orphanet 558, MedGen C0024796, MONDO:0007947, OMIM 154700.
Familial thoracic aortic aneurysm and aortic dissection (TAAD). Also called: Thoracic aortic aneurysms and dissections. Identifiers: Orphanet 91387, MedGen C4707243, MONDO:0019625.

Allele frequency attached by ClinVar (database versions not stated): gnomAD exomes below 0.00001; gnomAD 0.00001; TOPMed below 0.00001.
gnomAD v4.1: 6 of 1,613,980 alleles (0.00037%); highest among the groups gnomAD compares: African/African-American, 0.0053%; no homozygotes.

Submissions (3):

Labcorp Genetics (formerly Invitae), Labcorp
Classification: Uncertain significance for Marfan syndrome; Familial thoracic aortic aneurysm and aortic dissection. Last evaluated: 2026-01-20. Review status: criteria provided, single submitter. Criteria: Invitae Variant Classification Sherloc (09022015). Collection method: clinical testing. Allele origin: germline.
Comment: This sequence change replaces aspartic acid, which is acidic and polar, with glycine, which is neutral and non-polar, at codon 330 of the FBN1 protein (p.Asp330Gly). This variant is not present in population databases (gnomAD no frequency). This variant has not been reported in the literature in individuals affected with FBN1-related conditions. ClinVar contains an entry for this variant (Variation ID: 3075108). An algorithm developed to predict the effect of missense changes on protein structure and function (PolyPhen-2) suggests that this variant is likely to be disruptive. In summary, the available evidence is currently insufficient to determine the role of this variant in disease. Therefore, it has been classified as a Variant of Uncertain Significance.

GeneDx
Classification: Uncertain significance. Last evaluated: 2025-06-28. Review status: criteria provided, single submitter. Criteria: GeneDx Variant Classification Process June 2021. Collection method: clinical testing. Allele origin: germline. Affected: yes.
Comment: Not observed at significant frequency in large population cohorts (gnomAD); In silico analysis supports that this missense variant has a deleterious effect on protein structure/function; Has not been previously published as pathogenic or benign to our knowledge; Does not affect a cysteine or calcium-binding residue within an EGF-like domain or a TGF-binding protein domain of the FBN1 gene; cysteine substitutions in the EGF-like domains represent the majority of pathogenic missense changes associated with FBN1-related disorders (PMID: 12938084); This variant is associated with the following publications: (PMID: 12938084)

All of Us Research Program, National Institutes of Health
Classification: Uncertain significance for Marfan syndrome. Last evaluated: 2023-12-18. Review status: criteria provided, single submitter. Criteria: ACMG Guidelines, 2015. Collection method: clinical testing. Allele origin: germline. Inheritance: Autosomal dominant inheritance. Observed: 1 variant allele, 1 heterozygote.
Comment: This missense variant replaces aspartic acid with glycine at codon 330 of the FBN1 protein. Computational prediction suggests that this variant may have deleterious impact on protein structure and function (internally defined REVEL score threshold >= 0.7, PMID: 27666373). To our knowledge, functional studies have not been reported for this variant. This variant has not been reported in individuals affected with FBN1-related disorders in the literature. This variant has not been identified in the general population by the Genome Aggregation Database (gnomAD). The available evidence is insufficient to determine the role of this variant in disease conclusively. Therefore, this variant is classified as a Variant of Uncertain Significance.

This study involves interpretation of variants in research participants for the purpose of population health screening. Participant phenotype was not available at the time of variant classification. Additional details can be found in publication PMID: 35346344, PMCID: PMC8962531